The following is an entry in ClinVar:

NM_000494.4(COL17A1):c.2336-1G>T

Gene: COL17A1 (collagen type XVII alpha 1 chain; minus strand). Cytogenetic location: 10q25.1.
Variant type: single nucleotide variant.
Coding change: c.2336-1G>T on transcript NM_000494.4 (MANE Select); the canonical splice acceptor site of the intron before coding-DNA position 2336, G replaced by T.
Molecular consequence: splice acceptor variant.
Genome position (GRCh38, 1-based): chr10:104,046,774, C>A on the plus strand (G>T on the coding strand, the complement: COL17A1 is on the minus strand). VCF-style: chr10-104046774-C-A. GRCh37 (hg19) VCF-style: chr10-105806532-C-A.
Other names: IVS31AS, G-T, -1.
Identifiers: ClinVar variation 17652 (VCV000017652.6), dbSNP rs1589562891, ClinGen allele CA378068959.

ClinVar aggregate classification (germline): Pathogenic. Review status: criteria provided, single submitter (1 of 4 stars). 2 submissions from 2 submitters: Pathogenic (1). 1 of the submissions does not count toward it. Last evaluated 2026-09-22.

Conditions:
COL17A1-related disorder. Also called: COL17A1-related condition.
Epidermolysis bullosa, junctional 4, intermediate. Also called: Epidermolysis bullosa, junctional, localisata variant; EPIDERMOLYSIS BULLOSA, JUNCTIONAL 4, NON-HERLITZ TYPE; EPIDERMOLYSIS BULLOSA, GENERALIZED ATROPHIC BENIGN. Identifiers: MedGen C2608084, MONDO:0030750, OMIM 619787.

Submissions (2):

PreventionGenetics, part of Exact Sciences
Classification: Pathogenic for COL17A1-related condition. Last evaluated: 2026-09-22. Review status: criteria provided, single submitter. Criteria: ACMG Guidelines, 2015. Collection method: clinical testing. Allele origin: germline.
Comment: The COL17A1 c.2336-1G>T variant is predicted to disrupt the AG splice acceptor site and interfere with normal splicing. This variant has been reported, along with another COL17A1 variant, in one individual with junctional epidermolysis bullosa (Patient 33 in Hérissé et al. 2021. PubMed ID: 33393081) and in the heterozygous state in another affected individual. It was proposed that an additional variant on the opposite allele was present, although undetected, in the affected heterozygous individual as this variant was also identified in this individual’s unaffected mother. RT-PCR studies derived from a patient harboring the c.2336-1G>T variant revealed an aberrant mRNA transcript incorporating upstream intronic sequence which results in the introduction of a premature translation termination codon and a predicted truncated protein (Darling et al. 1998. PubMed ID: 9457913). This variant has not been reported in a large population database (gnomAD), indicating this variant is rare. Variants that disrupt the consensus splice acceptor site in COL17A1 are expected to be pathogenic. This variant is interpreted as pathogenic.

OMIM
Classification: Pathogenic for EPIDERMOLYSIS BULLOSA, JUNCTIONAL 4, INTERMEDIATE. Last evaluated: 1998-02-01. Review status: no assertion criteria provided. Collection method: literature only. Allele origin: germline. Not counted in ClinVar's aggregate classification.

Literature cited by the submitters: PubMed 9457913 (cited by OMIM).